The following is an entry in ClinVar:

NM_000222.3(KIT):c.2648T>C (p.Ile883Thr)

Gene: KIT (KIT proto-oncogene, receptor tyrosine kinase; plus strand). Cytogenetic location: 4q12.
Variant type: single nucleotide variant.
Coding change: c.2648T>C on transcript NM_000222.3 (MANE Select); coding-DNA position 2648, T replaced by C.
Protein change: p.Ile883Thr; replaces isoleucine 883 with threonine.
Molecular consequence: missense variant.
Genome position (GRCh38, 1-based): chr4:54,736,772, T>C. VCF-style: chr4-54736772-T-C. GRCh37 (hg19) VCF-style: chr4-55602938-T-C.
Other names: c.2636T>C, p.Ile879Thr (NM_001093772.2, NM_001385292.1); c.2651T>C, p.Ile884Thr (NM_001385284.1); c.2645T>C, p.Ile882Thr (NM_001385285.1); c.2633T>C, p.Ile878Thr (NM_001385286.1); c.2639T>C, p.Ile880Thr (NM_001385288.1); c.2648T>C, p.Ile883Thr (NM_001385290.1); short protein forms I884T, I879T, I880T, I878T, I882T, I883T.
Identifiers: ClinVar variation 2749186 (VCV002749186.3), dbSNP rs2475583796, ClinGen allele CA356913896.

ClinVar aggregate classification (germline): Likely pathogenic (1 of 4 stars; one submission).

Conditions:
Gastrointestinal stromal tumor. Also called: Gastrointestinal stromal tumor, somatic; Gastrointestinal stroma tumor. Identifiers: Orphanet 44890, MedGen C0238198, MeSH D046152, MONDO:0011719, OMIM 606764, HP:0100723.

Submission:

Labcorp Genetics (formerly Invitae), Labcorp
Classification: Likely pathogenic for Gastrointestinal stromal tumor. Last evaluated: 2023-09-12. Review status: criteria provided, single submitter. Criteria: Invitae Variant Classification Sherloc (09022015). Collection method: clinical testing. Allele origin: germline.
Comment: In summary, the currently available evidence indicates that the variant is pathogenic, but additional data are needed to prove that conclusively. Therefore, this variant has been classified as Likely Pathogenic. An algorithm developed to predict the effect of missense changes on protein structure and function (PolyPhen-2) suggests that this variant is likely to be disruptive. This missense change has been observed in individual(s) with KIT-related piebaldism (Invitae). In at least one individual the variant was observed to be de novo. This variant is not present in population databases (gnomAD no frequency). This sequence change replaces isoleucine, which is neutral and non-polar, with threonine, which is neutral and polar, at codon 883 of the KIT protein (p.Ile883Thr).